The following is an entry in ClinVar:

ClinVar aggregate classification (germline): Uncertain significance. Review status: criteria provided, multiple submitters, no conflicts (2 of 4 stars). 5 submissions from 5 submitters: Uncertain significance (5). Last evaluated 2024-04-04.

Conditions:
Marfan syndrome (MFS). Also called: Marfan syndrome type 1; MARFAN SYNDROME, TYPE I; Marfan's syndrome; FBN1-Related Marfan Syndrome; Marfan syndrome, classic. Identifiers: Orphanet 284963, Orphanet 558, MedGen C0024796, MONDO:0007947, OMIM 154700.
Familial thoracic aortic aneurysm and aortic dissection (TAAD). Also called: Thoracic aortic aneurysms and dissections. Identifiers: Orphanet 91387, MedGen C4707243, MONDO:0019625.

Submissions (5):

Genomic Medicine Center of Excellence, King Faisal Specialist Hospital and Research Centre
Classification: Uncertain significance for Marfan syndrome. Last evaluated: 2024-04-04. Review status: criteria provided, single submitter. Criteria: ACMG Guidelines, 2015. Collection method: clinical testing. Allele origin: germline.

Color Diagnostics, LLC DBA Color Health
Classification: Uncertain significance for Familial thoracic aortic aneurysm and aortic dissection. Last evaluated: 2024-03-06. Review status: criteria provided, single submitter. Criteria: ACMG Guidelines, 2015. Collection method: clinical testing. Allele origin: germline.
Comment: This missense variant replaces glycine with serine at codon 2669 of the FBN1 protein. Computational prediction suggests that this variant may have deleterious impact on protein structure and function (internally defined REVEL score threshold >= 0.7, PMID: 27666373). To our knowledge, functional studies have not been reported for this variant. This variant has not been reported in individuals affected with cardiovascular disorders in the literature. This variant has not been identified in the general population by the Genome Aggregation Database (gnomAD). The available evidence is insufficient to determine the role of this variant in disease conclusively. Therefore, this variant is classified as a Variant of Uncertain Significance.

CeGaT Center for Human Genetics Tuebingen
Classification: Uncertain significance. Last evaluated: 2023-11-01. Review status: criteria provided, single submitter. Criteria: CeGaT Center For Human Genetics Tuebingen Variant Classification Criteria Version 2. Collection method: clinical testing. Allele origin: germline. Affected: yes. Observed: 2 variant alleles.
Comment: FBN1: PM2, PM5

Women's Health and Genetics/Laboratory Corporation of America, LabCorp
Classification: Uncertain significance. Last evaluated: 2021-04-20. Review status: criteria provided, single submitter. Criteria: LabCorp Variant Classification Summary - May 2015. Collection method: clinical testing. Allele origin: germline.
Comment: Variant summary: FBN1 c.8005G>A (p.Gly2669Ser) results in a non-conservative amino acid change located in the EGF-like domain (IPR000742) of the encoded protein sequence. Four of five in-silico tools predict a damaging effect of the variant on protein function. The variant was absent in 250318 control chromosomes. The available data on variant occurrences in the general population are insufficient to allow any conclusion about variant significance. To our knowledge, no occurrence of c.8005G>A in individuals affected with Marfan Syndrome and no experimental evidence demonstrating its impact on protein function have been reported. One other clinical diagnostic laboratory has submitted clinical-significance assessments for this variant to ClinVar after 2014 without evidence for independent evaluation and cited the variant as likely pathogenic. Based on the evidence outlined above, the variant was classified as uncertain significance.

GeneDx
Classification: Uncertain significance. Last evaluated: 2019-06-04. Review status: criteria provided, single submitter. Criteria: GeneDx Variant Classification Process June 2021. Collection method: clinical testing. Allele origin: germline. Affected: yes.
Comment: Has not been previously published as pathogenic or benign to our knowledge; Reported in ClinVar but additional evidence is not available (ClinVar Variant ID# 495655; Landrum et al., 2016); Not observed in large population cohorts (Lek et al., 2016); In silico analysis, which includes protein predictors and evolutionary conservation, supports a deleterious effect; Although located in a calcium-binding EGF-like domain of the FBN1 gene, it does not affect a cysteine residue within this domain; cysteine substitutions in the calcium-binding EGF-like domains represent the majority of pathogenic missense changes associated with FBN1 related disorders (Collod-Beroud et al., 2003).

NM_000138.5(FBN1):c.8005G>A (p.Gly2669Ser)

Gene: FBN1 (fibrillin 1; minus strand). Cytogenetic location: 15q21.1.
Variant type: single nucleotide variant.
Coding change: c.8005G>A on transcript NM_000138.5 (MANE Select); coding-DNA position 8005, G replaced by A.
Protein change: p.Gly2669Ser; replaces glycine 2669 with serine.
Molecular consequence: missense variant.
Genome position (GRCh38, 1-based): chr15:48,415,582, C>T on the plus strand (G>A on the coding strand, the complement: FBN1 is on the minus strand). VCF-style: chr15-48415582-C-T. GRCh37 (hg19) VCF-style: chr15-48707779-C-T.
Other names: short protein forms G2669S.
Identifiers: ClinVar variation 495655 (VCV000495655.49), dbSNP rs794728281, ClinGen allele CA392322691.
Genomic context (GRCh38, chr15:48,415,582, plus strand): 5'-AGAGCACTGCTTACCCTTGGCCTATGCGGAAGTAACCAGGTGGACAGCCACACAGGTAAC[C>T]GCCCTCGGTATTGGAACAGCCATAGCTGCAGGGGGCCTGCGCAGAGCCACATTCATTGAT-3'
Protein context (NP_000129.3, residues 2659-2679): CSYGCSNTEG[Gly2669Ser]YLCGCPPGYF